The following is an entry in ClinVar:

ClinVar aggregate classification (germline): Uncertain significance (1 of 4 stars; one submission).

Allele frequency attached by ClinVar (database versions not stated): gnomAD 0.00001.
gnomAD v4.1: 2 of 1,614,100 alleles (0.00012%); highest among the groups gnomAD compares: Non-Finnish European, 0.00017%; no homozygotes.

Submission:

Labcorp Genetics (formerly Invitae), Labcorp
Classification: Uncertain significance. Last evaluated: 2021-08-14. Review status: criteria provided, single submitter. Criteria: Invitae Variant Classification Sherloc (09022015). Collection method: clinical testing. Allele origin: germline.
Comment: This sequence change replaces phenylalanine with leucine at codon 127 of the NSMCE3 protein (p.Phe127Leu). The phenylalanine residue is weakly conserved and there is a small physicochemical difference between phenylalanine and leucine. This variant is present in population databases (rs751403960, ExAC 0.001%). This variant has not been reported in the literature in individuals affected with NSMCE3-related conditions. Algorithms developed to predict the effect of missense changes on protein structure and function output the following: SIFT: "Tolerated"; PolyPhen-2: "Benign"; Align-GVGD: "Class C0". The leucine amino acid residue is found in multiple mammalian species, which suggests that this missense change does not adversely affect protein function. In summary, the available evidence is currently insufficient to determine the role of this variant in disease. Therefore, it has been classified as a Variant of Uncertain Significance.

NM_138704.4(NSMCE3):c.381C>A (p.Phe127Leu)

Genes: ENTREP2 (endosomal transmembrane epsin interactor 2; minus strand), NSMCE3 (NSE3 homolog, SMC5-SMC6 complex component; minus strand). Cytogenetic location: 15q13.1.
Variant type: single nucleotide variant.
Coding change: c.381C>A on transcript NM_138704.4 (MANE Select); coding-DNA position 381, C replaced by A.
Protein change: p.Phe127Leu; replaces phenylalanine 127 with leucine.
Molecular consequence: missense variant. On other transcripts: intron variant (5).
Genome position (GRCh38, 1-based): chr15:29,269,325, G>T on the plus strand (C>A on the coding strand, the complement: NSMCE3 is on the minus strand). VCF-style: chr15-29269325-G-T. GRCh37 (hg19) VCF-style: chr15-29561529-G-T.
Other names: c.-12-16847C>A (NM_001387217.1, NM_001387215.1, NM_001387216.1); c.277-16847C>A (NM_001387214.1, NM_015307.2); short protein forms F127L.
Identifiers: ClinVar variation 1366012 (VCV001366012.5), dbSNP rs751403960, ClinGen allele CA7446147.